The following is an entry in ClinVar:

ClinVar aggregate classification (germline): Uncertain significance. Review status: criteria provided, multiple submitters, no conflicts (2 of 4 stars). 2 submissions from 2 submitters: Uncertain significance (2). Last evaluated 2022-07-05.

Allele frequency attached by ClinVar (database versions not stated): gnomAD exomes below 0.00001; TOPMed below 0.00001.
gnomAD v4.1: 4 of 1,610,158 alleles (0.00025%); highest among the groups gnomAD compares: Non-Finnish European, 0.00025%; no homozygotes.

Submissions (2):

GeneDx
Classification: Uncertain significance. Last evaluated: 2022-07-05. Review status: criteria provided, single submitter. Criteria: GeneDx Variant Classification Process June 2021. Collection method: clinical testing. Allele origin: germline. Affected: yes.
Comment: Observed in an individual referred for genetic testing for maturity-onset diabetes of the young (MODY) but familial segregation information and additional clinical information were not included (Bellann-Chantelot et al., 2008).; In silico analysis supports that this missense variant does not alter protein structure/function; Not observed at significant frequency in large population cohorts (gnomAD); This variant is associated with the following publications: (PMID: 21224407, 32041611, 18003757)

Mendelics
Classification: Uncertain significance. Last evaluated: 2022-05-04. Review status: criteria provided, single submitter. Criteria: Mendelics Assertion Criteria 2019. Collection method: clinical testing. Allele origin: germline.

NM_000545.8(HNF1A):c.1762C>T (p.Pro588Ser)

Gene: HNF1A (HNF1 homeobox A; plus strand). Cytogenetic location: 12q24.31.
Variant type: single nucleotide variant.
Coding change: c.1762C>T on transcript NM_000545.8 (MANE Select); coding-DNA position 1762, C replaced by T.
Protein change: p.Pro588Ser; replaces proline 588 with serine.
Molecular consequence: missense variant.
Genome position (GRCh38, 1-based): chr12:120,999,621, C>T. VCF-style: chr12-120999621-C-T. GRCh37 (hg19) VCF-style: chr12-121437424-C-T.
Other names: c.1783C>T, p.Pro595Ser (NM_001306179.2); short protein forms P588S, P595S.
Identifiers: ClinVar variation 1684797 (VCV001684797.2), dbSNP rs1029590003, ClinGen allele CA244536350.